The following is an entry in ClinVar:

NM_001379200.1(TBX1):c.519G>A (p.Pro173=)

Gene: TBX1 (T-box transcription factor 1; plus strand). Cytogenetic location: 22q11.21.
Variant type: single nucleotide variant.
Coding change: c.519G>A on transcript NM_001379200.1 (MANE Select); coding-DNA position 519, G replaced by A.
Protein change: p.Pro173=; no amino-acid change (proline 173 retained).
Molecular consequence: synonymous variant.
Genome position (GRCh38, 1-based): chr22:19,763,322, G>A. VCF-style: chr22-19763322-G-A. GRCh37 (hg19) VCF-style: chr22-19750845-G-A.
Other names: c.492G>A, p.Pro164= (NM_005992.1, NM_080646.2, NM_080647.1).
Identifiers: ClinVar variation 506594 (VCV000506594.39), dbSNP rs111754814, ClinGen allele CA10102459.

ClinVar aggregate classification (germline): Benign/Likely benign. Review status: criteria provided, multiple submitters, no conflicts (2 of 4 stars). 7 submissions from 7 submitters: Benign (2); Likely benign (5). Last evaluated 2026-01-21.

Conditions:
DiGeorge syndrome. Also called: THIRD AND FOURTH PHARYNGEAL POUCH SYNDROME; Catch22. Identifiers: Orphanet 567, MedGen C0012236, MONDO:0008564, OMIM 188400.
Cardiovascular phenotype. Identifiers: MedGen CN230736.

Allele frequency attached by ClinVar (database versions not stated): gnomAD exomes 0.00074; 1000 Genomes Project 0.00180; 1000 Genomes Project 30x 0.00187; gnomAD 0.00209 and 0.00226; TOPMed 0.00236; ESP Exome Variant Server 0.00246.
gnomAD v4.1: 1,393 of 1,614,192 alleles (0.086%); highest among the groups gnomAD compares: African/African-American, 0.66%; 3 homozygotes.

Submissions (7):

Labcorp Genetics (formerly Invitae), Labcorp
Classification: Benign for DiGeorge syndrome. Last evaluated: 2026-01-21. Review status: criteria provided, single submitter. Criteria: Invitae Variant Classification Sherloc (09022015). Collection method: clinical testing. Allele origin: germline.

CeGaT Center for Human Genetics Tuebingen
Classification: Likely benign. Last evaluated: 2025-10-01. Review status: criteria provided, single submitter. Criteria: CeGaT Center For Human Genetics Tuebingen Variant Classification Criteria Version 2. Collection method: clinical testing. Allele origin: germline. Affected: yes. Observed: 2 variant alleles.
Comment: TBX1: BP4, BP7

Blueprint Genetics
Classification: Likely benign. Last evaluated: 2024-10-03. Review status: criteria provided, single submitter. Criteria: ACMG Guidelines, 2015. Collection method: clinical testing. Allele origin: germline.

GeneDx
Classification: Likely benign. Last evaluated: 2020-07-21. Review status: criteria provided, single submitter. Criteria: GeneDx Variant Classification Process June 2021. Collection method: clinical testing. Allele origin: germline. Affected: yes.

Athena Diagnostics
Classification: Benign. Last evaluated: 2017-12-27. Review status: criteria provided, single submitter. Criteria: Athena Diagnostics Criteria. Collection method: clinical testing. Allele origin: germline.

Ambry Genetics
Classification: Likely benign for Cardiovascular phenotype. Last evaluated: 2015-08-19. Review status: criteria provided, single submitter. Criteria: Ambry Variant Classification Scheme 2023. Collection method: clinical testing. Allele origin: germline.

Breakthrough Genomics
Classification: Likely benign. Review status: criteria provided, single submitter. Criteria: ACMG Guidelines, 2015. Collection method: not provided. Allele origin: germline. Inheritance: Autosomal dominant inheritance. Affected: yes.